The following is an entry in ClinVar:

ClinVar aggregate classification (germline): Uncertain significance. Review status: criteria provided, multiple submitters, no conflicts (2 of 4 stars). 2 submissions from 2 submitters: Uncertain significance (2). Last evaluated 2024-10-03.

Conditions:
Hereditary cancer-predisposing syndrome. Also called: Tumor predisposition; Hereditary Cancer Syndrome; Hereditary neoplastic syndrome; Neoplastic Syndromes, Hereditary. Identifiers: Orphanet 140162, MedGen C0027672, MeSH D009386, MONDO:0015356.
Familial cancer of breast. Also called: hereditary breast carcinoma; Hereditary breast cancer; BREAST CANCER, FAMILIAL. Identifiers: Orphanet 227535, MedGen C0346153, MONDO:0016419, OMIM 114480. Disease mechanism: loss of function.

Allele frequency attached by ClinVar (database versions not stated): TOPMed below 0.00001.

Submissions (2):

Ambry Genetics
Classification: Uncertain significance for Hereditary cancer-predisposing syndrome. Last evaluated: 2024-10-03. Review status: criteria provided, single submitter. Criteria: Ambry Variant Classification Scheme 2023. Collection method: clinical testing. Allele origin: germline.
Comment: The c.846+4A>G intronic variant results from an A to G substitution 4 nucleotides after coding exon 6 in the CHEK2 gene. This nucleotide position is highly conserved in available vertebrate species. In silico splice site analysis predicts that this alteration will weaken the native splice donor site. Based on the available evidence, the clinical significance of this variant remains unclear.

Labcorp Genetics (formerly Invitae), Labcorp
Classification: Uncertain significance for Familial cancer of breast. Last evaluated: 2024-04-09. Review status: criteria provided, single submitter. Criteria: Invitae Variant Classification Sherloc (09022015). Collection method: clinical testing. Allele origin: germline.
Comment: This sequence change falls in intron 7 of the CHEK2 gene. It does not directly change the encoded amino acid sequence of the CHEK2 protein. It affects a nucleotide within the consensus splice site. This variant is not present in population databases (gnomAD no frequency). This variant has not been reported in the literature in individuals affected with CHEK2-related conditions. ClinVar contains an entry for this variant (Variation ID: 1483020). Variants that disrupt the consensus splice site are a relatively common cause of aberrant splicing (PMID: 17576681, 9536098). Algorithms developed to predict the effect of sequence changes on RNA splicing suggest that this variant may disrupt the consensus splice site. In summary, the available evidence is currently insufficient to determine the role of this variant in disease. Therefore, it has been classified as a Variant of Uncertain Significance.

Literature cited by the submitters: PubMed 17576681 (cited by Labcorp Genetics (formerly Invitae), Labcorp); PubMed 9536098 (cited by Labcorp Genetics (formerly Invitae), Labcorp).

NM_007194.4(CHEK2):c.846+4A>G

Gene: CHEK2 (checkpoint kinase 2; minus strand). Cytogenetic location: 22q12.1.
Variant type: single nucleotide variant.
Coding change: c.846+4A>G on transcript NM_007194.4 (MANE Select); 4 bases into the intron after coding-DNA position 846, A replaced by G.
Molecular consequence: intron variant.
Genome position (GRCh38, 1-based): chr22:28,710,002, T>C on the plus strand (A>G on the coding strand, the complement: CHEK2 is on the minus strand). VCF-style: chr22-28710002-T-C. GRCh37 (hg19) VCF-style: chr22-29105990-T-C.
Other names: c.183+4A>G (NM_001437942.1, NM_001257387.3); c.645+4A>G (NM_001349956.3); c.846+4A>G (NM_145862.3); c.939+4A>G (NM_001438295.1, NM_001438293.1); c.975+4A>G (NM_001438294.1, NM_001005735.3).
Identifiers: ClinVar variation 1483020 (VCV001483020.8), dbSNP rs991112775, ClinGen allele CA323020946.